The following is an entry in ClinVar:

NM_001042492.3(NF1):c.1387G>C (p.Ala463Pro)

Gene: NF1 (neurofibromin 1; plus strand). Cytogenetic location: 17q11.2.
Variant type: single nucleotide variant.
Coding change: c.1387G>C on transcript NM_001042492.3 (MANE Select); coding-DNA position 1387, G replaced by C.
Protein change: p.Ala463Pro; replaces alanine 463 with proline.
Molecular consequence: missense variant.
Genome position (GRCh38, 1-based): chr17:31,206,366, G>C. VCF-style: chr17-31206366-G-C. GRCh37 (hg19) VCF-style: chr17-29533384-G-C.
Other names: c.1387G>C, p.Ala463Pro (NM_000267.4, NM_001128147.3); short protein forms A463P.
Identifiers: ClinVar variation 484083 (VCV000484083.13), dbSNP rs1555611607, ClinGen allele CA398999907.

ClinVar aggregate classification (germline): Uncertain significance. Review status: criteria provided, multiple submitters, no conflicts (2 of 4 stars). 3 submissions from 3 submitters: Uncertain significance (3). Last evaluated 2025-08-07.

Conditions:
Cardiovascular phenotype. Identifiers: MedGen CN230736.
Hereditary cancer-predisposing syndrome. Also called: Hereditary neoplastic syndrome; Neoplastic Syndromes, Hereditary; Tumor predisposition; Hereditary Cancer Syndrome. Identifiers: Orphanet 140162, MedGen C0027672, MeSH D009386, MONDO:0015356.
Neurofibromatosis, type 1 (NF1). Also called: VON RECKLINGHAUSEN DISEASE; Peripheral type neurofibromatosis; NEUROFIBROMATOSIS, TYPE I, SOMATIC; Neurofibromatosis, type I. Identifiers: Orphanet 636, MedGen C0027831, MONDO:0018975, OMIM 162200. Disease mechanism: loss of function.

Submissions (3):

Labcorp Genetics (formerly Invitae), Labcorp
Classification: Uncertain significance for Neurofibromatosis, type 1. Last evaluated: 2025-08-07. Review status: criteria provided, single submitter. Criteria: Invitae Variant Classification Sherloc (09022015). Collection method: clinical testing. Allele origin: germline.
Comment: This sequence change replaces alanine, which is neutral and non-polar, with proline, which is neutral and non-polar, at codon 463 of the NF1 protein (p.Ala463Pro). This variant is not present in population databases (gnomAD no frequency). This variant has not been reported in the literature in individuals affected with NF1-related conditions. ClinVar contains an entry for this variant (Variation ID: 484083). Invitae Evidence Modeling of protein sequence and biophysical properties (such as structural, functional, and spatial information, amino acid conservation, physicochemical variation, residue mobility, and thermodynamic stability) indicates that this missense variant is not expected to disrupt NF1 protein function with a negative predictive value of 95%. In summary, the available evidence is currently insufficient to determine the role of this variant in disease. Therefore, it has been classified as a Variant of Uncertain Significance.

Genome-Nilou Lab
Classification: Uncertain significance for Neurofibromatosis, type 1. Last evaluated: 2022-03-15. Review status: criteria provided, single submitter. Criteria: ACMG Guidelines, 2015. Collection method: clinical testing. Allele origin: germline. Affected: no.

Ambry Genetics
Classification: Uncertain significance for Cardiovascular phenotype; Hereditary cancer-predisposing syndrome. Last evaluated: 2016-12-01. Review status: criteria provided, single submitter. Criteria: Ambry Variant Classification Scheme 2023. Collection method: clinical testing. Allele origin: germline.
Comment: The p.A463P variant (also known as c.1387G>C), located in coding exon 12 of the NF1 gene, results from a G to C substitution at nucleotide position 1387. The alanine at codon 463 is replaced by proline, an amino acid with highly similar properties. This amino acid position is not well conserved in available vertebrate species. In addition, this alteration is predicted to be tolerated by in silico analysis. Since supporting evidence is limited at this time, the clinical significance of this alteration remains unclear.